The following is an entry in ClinVar:

ClinVar aggregate classification (germline): Uncertain significance (1 of 4 stars; one submission).

Submission:

GeneDx
Classification: Uncertain significance. Last evaluated: 2022-04-05. Review status: criteria provided, single submitter. Criteria: GeneDx Variant Classification Process June 2021. Collection method: clinical testing. Allele origin: germline. Affected: yes.
Comment: Has not been previously published as pathogenic or benign to our knowledge; Not observed at significant frequency in large population cohorts (gnomAD); In silico analysis supports that this missense variant does not alter protein structure/function

NM_013275.6(ANKRD11):c.6968C>A (p.Ala2323Asp)

Gene: ANKRD11 (ankyrin repeat domain containing 11; minus strand). Cytogenetic location: 16q24.3.
Variant type: single nucleotide variant.
Coding change: c.6968C>A on transcript NM_013275.6 (MANE Select); coding-DNA position 6968, C replaced by A.
Protein change: p.Ala2323Asp; replaces alanine 2323 with aspartic acid.
Molecular consequence: missense variant.
Genome position (GRCh38, 1-based): chr16:89,279,574, G>T on the plus strand (C>A on the coding strand, the complement: ANKRD11 is on the minus strand). VCF-style: chr16-89279574-G-T. GRCh37 (hg19) VCF-style: chr16-89345982-G-T.
Other names: c.6968C>A, p.Ala2323Asp (NM_001256182.2, NM_001256183.2); short protein forms A2323D.
Identifiers: ClinVar variation 1708839 (VCV001708839.2), dbSNP rs1422020223, ClinGen allele CA397149607.
Genomic context (GRCh38, chr16:89,279,574, plus strand): 5'-ATCTGCGCCCGGTTCCTGGTCATGCGCTGAGGGATCTCCTCCACTCGGGGGGCCTTCGGG[G>T]CTTCGGCCGTGGGTTTTGGTTCTGCGGCTTCCGGCTGGATGCCGCCAGGAGGGCCTTCGG-3'
Protein context (NP_037407.4, residues 2313-2333): EAAEPKPTAE[Ala2323Asp]PKAPRVEEIP